The following is an entry in ClinVar:

NM_004385.5(VCAN):c.9244G>C (p.Gly3082Arg)

Genes: VCAN (versican; plus strand), VCAN-AS1 (VCAN antisense RNA 1; minus strand). Cytogenetic location: 5q14.3.
Variant type: single nucleotide variant.
Coding change: c.9244G>C on transcript NM_004385.5 (MANE Select); coding-DNA position 9244, G replaced by C.
Protein change: p.Gly3082Arg; replaces glycine 3082 with arginine.
Molecular consequence: missense variant. On other transcripts: intron variant (2).
Genome position (GRCh38, 1-based): chr5:83,542,247, G>C. VCF-style: chr5-83542247-G-C. GRCh37 (hg19) VCF-style: chr5-82838066-G-C.
Other names: c.6283G>C, p.Gly2095Arg (NM_001164097.2); c.4004-3290G>C (NM_001164098.2); c.1043-3290G>C (NM_001126336.3); short protein forms G2095R, G3082R.
Identifiers: ClinVar variation 2860971 (VCV002860971.3), dbSNP rs2479126844, ClinGen allele CA360295620.

ClinVar aggregate classification (germline): Uncertain significance (1 of 4 stars; one submission).

Submission:

Labcorp Genetics (formerly Invitae), Labcorp
Classification: Uncertain significance. Last evaluated: 2023-05-09. Review status: criteria provided, single submitter. Criteria: Invitae Variant Classification Sherloc (09022015). Collection method: clinical testing. Allele origin: germline.
Comment: This sequence change replaces glycine, which is neutral and non-polar, with arginine, which is basic and polar, at codon 3082 of the VCAN protein (p.Gly3082Arg). In summary, the available evidence is currently insufficient to determine the role of this variant in disease. Therefore, it has been classified as a Variant of Uncertain Significance. An algorithm developed to predict the effect of missense changes on protein structure and function (PolyPhen-2) suggests that this variant is likely to be disruptive. This variant has not been reported in the literature in individuals affected with VCAN-related conditions. This variant is not present in population databases (gnomAD no frequency).